The following is an entry in ClinVar:

ClinVar aggregate classification (germline): Benign (0 of 4 stars; one submission).

Conditions:
DCHS2-related disorder. Also called: DCHS2-related condition.

Allele frequency attached by ClinVar (database versions not stated): 1000 Genomes Project 0.40615; 1000 Genomes Project 30x 0.40881; ExAC 0.46041; gnomAD 0.46050; ESP Exome Variant Server 0.46496; TOPMed 0.46549.
gnomAD v4.1: 701,074 of 1,551,316 alleles (45%); highest among the groups gnomAD compares: African/African-American, 50%; 160,725 homozygotes.

Submissions (6):

PreventionGenetics, part of Exact Sciences
Classification: Benign for DCHS2-related condition. Last evaluated: 2019-10-21. Review status: no assertion criteria provided. Collection method: clinical testing. Allele origin: germline.
Comment: This variant is classified as benign based on ACMG/AMP sequence variant interpretation guidelines (Richards et al. 2015 PMID: 25741868, with internal and published modifications).

Dr. Peter K. Rogan Lab, Western University
No classification provided (evidence only). Condition: Lung cancer. Review status: no classification provided. Collection method: in vitro. Allele origin: not applicable. Functional consequence: retained intron. Not counted in ClinVar's aggregate classification.

Dr. Peter K. Rogan Lab, Western University
No classification provided (evidence only). Condition: Lung cancer. Review status: no classification provided. Collection method: in vitro. Allele origin: not applicable. Functional consequence: retained intron. Not counted in ClinVar's aggregate classification.

Dr. Peter K. Rogan Lab, Western University
No classification provided (evidence only). Condition: Uterine carcinosarcoma. Review status: no classification provided. Collection method: in vitro. Allele origin: not applicable. Functional consequence: retained intron. Not counted in ClinVar's aggregate classification.

Dr. Peter K. Rogan Lab, Western University
No classification provided (evidence only). Condition: Uterine carcinosarcoma. Review status: no classification provided. Collection method: in vitro. Allele origin: not applicable. Functional consequence: retained intron. Not counted in ClinVar's aggregate classification.

Dr. Peter K. Rogan Lab, Western University
No classification provided (evidence only). Condition: Uterine carcinosarcoma. Review status: no classification provided. Collection method: in vitro. Allele origin: not applicable. Functional consequence: retained intron. Not counted in ClinVar's aggregate classification.

NM_001358235.2(DCHS2):c.569T>G (p.Val190Gly)

Gene: DCHS2 (dachsous cadherin-related 2; minus strand). Cytogenetic location: 4q31.3.
Variant type: single nucleotide variant.
Coding change: c.569T>G on transcript NM_001358235.2 (MANE Select); coding-DNA position 569, T replaced by G.
Protein change: p.Val190Gly; replaces valine 190 with glycine.
Molecular consequence: missense variant. On other transcripts: synonymous variant (1).
Genome position (GRCh38, 1-based): chr4:154,490,787, A>C on the plus strand (T>G on the coding strand, the complement: DCHS2 is on the minus strand). VCF-style: chr4-154490787-A-C. GRCh37 (hg19) VCF-style: chr4-155411939-A-C.
Other names: NC_000004.11:g.155411939A>C; c.569T>G, p.Val190Gly (NM_001142552.2); c.569G=, p.Gly190= (NM_001412223.1); short protein forms V190G.
Identifiers: ClinVar variation 3060273 (VCV003060273.3), dbSNP rs17373874, ClinGen allele CA3113889.